The following is an entry in ClinVar:

ClinVar aggregate classification (germline): Uncertain significance (1 of 4 stars; one submission).

Allele frequency attached by ClinVar (database versions not stated): ExAC 0.00001; TOPMed 0.00002.
gnomAD v4.1: 11 of 1,613,664 alleles (0.00068%); highest among the groups gnomAD compares: Non-Finnish European, 0.00076%; no homozygotes.

Submission:

Labcorp Genetics (formerly Invitae), Labcorp
Classification: Uncertain significance. Last evaluated: 2023-08-16. Review status: criteria provided, single submitter. Criteria: Invitae Variant Classification Sherloc (09022015). Collection method: clinical testing. Allele origin: germline.
Comment: This sequence change creates a premature translational stop signal (p.Arg1084*) in the ALPK1 gene. It is expected to result in an absent or disrupted protein product. However, the current clinical and genetic evidence is not sufficient to establish whether loss-of-function variants in ALPK1 cause disease. This variant is present in population databases (rs749439534, gnomAD 0.004%). This variant has not been reported in the literature in individuals affected with ALPK1-related conditions. ClinVar contains an entry for this variant (Variation ID: 2081601). In summary, the available evidence is currently insufficient to determine the role of this variant in disease. Therefore, it has been classified as a Variant of Uncertain Significance.

NM_025144.4(ALPK1):c.3250C>T (p.Arg1084Ter)

Gene: ALPK1 (alpha kinase 1; plus strand). Cytogenetic location: 4q25.
Variant type: single nucleotide variant.
Coding change: c.3250C>T on transcript NM_025144.4 (MANE Select); coding-DNA position 3250, C replaced by T.
Protein change: p.Arg1084Ter; replaces arginine 1084 with a stop codon.
Molecular consequence: nonsense.
Genome position (GRCh38, 1-based): chr4:112,438,545, C>T. VCF-style: chr4-112438545-C-T. GRCh37 (hg19) VCF-style: chr4-113359701-C-T.
Other names: c.3250C>T, p.Arg1084Ter (NM_001102406.2); c.3016C>T, p.Arg1006Ter (NM_001253884.2); short protein forms R1006*, R1084*.
Identifiers: ClinVar variation 2081601 (VCV002081601.4), dbSNP rs749439534, ClinGen allele CA3047123.